The following is an entry in ClinVar:

ClinVar aggregate classification (germline): Pathogenic (1 of 4 stars; one submission).

Conditions:
Tuberous sclerosis 2 (TSC2). Identifiers: Orphanet 805, MedGen C1860707, MONDO:0013199, OMIM 613254.

Submission:

Labcorp Genetics (formerly Invitae), Labcorp
Classification: Pathogenic for Tuberous sclerosis 2. Last evaluated: 2024-03-07. Review status: criteria provided, single submitter. Criteria: Invitae Variant Classification Sherloc (09022015). Collection method: clinical testing. Allele origin: germline.
Comment: This sequence change creates a premature translational stop signal (p.Ser1336*) in the TSC2 gene. It is expected to result in an absent or disrupted protein product. Loss-of-function variants in TSC2 are known to be pathogenic (PMID: 10205261, 17304050). This variant is not present in population databases (gnomAD no frequency). This variant has not been reported in the literature in individuals affected with TSC2-related conditions. Algorithms developed to predict the effect of sequence changes on RNA splicing suggest that this variant may create or strengthen a splice site. For these reasons, this variant has been classified as Pathogenic.

Literature cited by the submitters: PubMed 10205261; PubMed 17304050.

NM_000548.5(TSC2):c.4007C>A (p.Ser1336Ter)

Gene: TSC2 (TSC complex subunit 2; plus strand). Cytogenetic location: 16p13.3.
Variant type: single nucleotide variant.
Coding change: c.4007C>A on transcript NM_000548.5 (MANE Select); coding-DNA position 4007, C replaced by A.
Protein change: p.Ser1336Ter; replaces serine 1336 with a stop codon.
Molecular consequence: nonsense. On other transcripts: non-coding transcript variant (5).
Genome position (GRCh38, 1-based): chr16:2,084,229, C>A. VCF-style: chr16-2084229-C-A. GRCh37 (hg19) VCF-style: chr16-2134230-C-A.
Other names: c.3806C>A, p.Ser1269Ter (NM_001077183.3); c.3938C>A, p.Ser1313Ter (NM_001114382.3); c.3698C>A, p.Ser1233Ter (NM_001318827.2); c.3662C>A, p.Ser1221Ter (NM_001318829.2); c.3275C>A, p.Ser1092Ter (NM_001318831.2); c.3839C>A, p.Ser1280Ter (NM_001318832.2); c.3809C>A, p.Ser1270Ter (NM_001363528.2); c.3875C>A, p.Ser1292Ter (NM_001370404.1); and 26 more; short protein forms S1092*, S1136*, S1220*, S1263*, S1276*, S1293*, S1299*, S1310*.
Identifiers: ClinVar variation 3689912 (VCV003689912.2).